The following is an entry in ClinVar:

NM_000051.4(ATM):c.5194G>A (p.Ala1732Thr)

Gene: ATM (ATM serine/threonine kinase; plus strand). Cytogenetic location: 11q22.3.
Variant type: single nucleotide variant.
Coding change: c.5194G>A on transcript NM_000051.4 (MANE Select); coding-DNA position 5194, G replaced by A.
Protein change: p.Ala1732Thr; replaces alanine 1732 with threonine.
Molecular consequence: missense variant.
Genome position (GRCh38, 1-based): chr11:108,301,664, G>A. VCF-style: chr11-108301664-G-A. GRCh37 (hg19) VCF-style: chr11-108172391-G-A.
Other names: p.A1732T:GCA>ACA; c.5194G>A, p.Ala1732Thr (NM_001351834.2); short protein forms A1732T.
Identifiers: ClinVar variation 181964 (VCV000181964.15), dbSNP rs730881372, ClinGen allele CA298266.

ClinVar aggregate classification (germline): Uncertain significance. Review status: criteria provided, multiple submitters, no conflicts (2 of 4 stars). 3 submissions from 3 submitters: Uncertain significance (3). Last evaluated 2025-10-06.

Conditions:
Hereditary cancer-predisposing syndrome. Also called: Tumor predisposition; Hereditary Cancer Syndrome; Hereditary neoplastic syndrome; Neoplastic Syndromes, Hereditary. Identifiers: Orphanet 140162, MedGen C0027672, MeSH D009386, MONDO:0015356.
Ataxia-telangiectasia syndrome (AT). Also called: LOUIS-BAR SYNDROME; Cerebello-oculocutaneous telangiectasia; Immunodeficiency with ataxia telangiectasia; ATAXIA-TELANGIECTASIA, COMPLEMENTATION GROUP A; ATAXIA-TELANGIECTASIA, FRESNO VARIANT; Ataxia-telangiectasia. Identifiers: Orphanet 100, MedGen C0004135, MONDO:0008840, OMIM 208900.

Submissions (3):

Ambry Genetics
Classification: Uncertain significance for Hereditary cancer-predisposing syndrome. Last evaluated: 2025-10-06. Review status: criteria provided, single submitter. Criteria: Ambry Variant Classification Scheme 2023. Collection method: clinical testing. Allele origin: germline.
Comment: The p.A1732T variant (also known as c.5194G>A), located in coding exon 34 of the ATM gene, results from a G to A substitution at nucleotide position 5194. The alanine at codon 1732 is replaced by threonine, an amino acid with similar properties. This amino acid position is highly conserved in available vertebrate species. In addition, the in silico prediction for this alteration is inconclusive. Based on the available evidence, the clinical significance of this variant remains unclear.

Labcorp Genetics (formerly Invitae), Labcorp
Classification: Uncertain significance for Ataxia-telangiectasia syndrome. Last evaluated: 2023-12-12. Review status: criteria provided, single submitter. Criteria: Invitae Variant Classification Sherloc (09022015). Collection method: clinical testing. Allele origin: germline.
Comment: This sequence change replaces alanine, which is neutral and non-polar, with threonine, which is neutral and polar, at codon 1732 of the ATM protein (p.Ala1732Thr). This variant is not present in population databases (gnomAD no frequency). This variant has not been reported in the literature in individuals affected with ATM-related conditions. ClinVar contains an entry for this variant (Variation ID: 181964). An algorithm developed to predict the effect of missense changes on protein structure and function (PolyPhen-2) suggests that this variant is likely to be disruptive. In summary, the available evidence is currently insufficient to determine the role of this variant in disease. Therefore, it has been classified as a Variant of Uncertain Significance.

GeneDx
Classification: Uncertain significance. Last evaluated: 2021-03-01. Review status: criteria provided, single submitter. Criteria: GeneDx Variant Classification Process June 2021. Collection method: clinical testing. Allele origin: germline. Affected: yes.
Comment: Not observed in large population cohorts (Lek et al., 2016); In silico analysis supports that this missense variant does not alter protein structure/function; Has not been previously published as pathogenic or benign to our knowledge